The following is an entry in ClinVar:

NM_000271.5(NPC1):c.3489C>T (p.Ile1163=)

Gene: NPC1 (NPC intracellular cholesterol transporter 1; minus strand). Cytogenetic location: 18q11.2.
Variant type: single nucleotide variant.
Coding change: c.3489C>T on transcript NM_000271.5 (MANE Select); coding-DNA position 3489, C replaced by T.
Protein change: p.Ile1163=; no amino-acid change (isoleucine 1163 retained).
Molecular consequence: synonymous variant.
Genome position (GRCh38, 1-based): chr18:23,534,548, G>A on the plus strand (C>T on the coding strand, the complement: NPC1 is on the minus strand). VCF-style: chr18-23534548-G-A. GRCh37 (hg19) VCF-style: chr18-21114512-G-A.
Other names: c.3489C>T (NM_000271.4).
Identifiers: ClinVar variation 598257 (VCV000598257.11), dbSNP rs911696662, ClinGen allele CA297078702.

ClinVar aggregate classification (germline): Conflicting classifications of pathogenicity. Review status: criteria provided, conflicting classifications (1 of 4 stars). 4 submissions from 4 submitters: Uncertain significance (2); Likely benign (2). Last evaluated 2026-02-12.

Conditions:
NPC1-related disorder. Also called: NPC1-related condition.
Niemann-Pick disease, type C1. Also called: NEUROVISCERAL STORAGE DISEASE WITH VERTICAL SUPRANUCLEAR OPHTHALMOPLEGIA; NIEMANN-PICK DISEASE WITH CHOLESTEROL ESTERIFICATION BLOCK; NIEMANN-PICK DISEASE WITHOUT SPHINGOMYELINASE DEFICIENCY; NIEMANN-PICK DISEASE, CHRONIC NEURONOPATHIC FORM; NIEMANN-PICK DISEASE, VARIANT TYPE C1. Identifiers: Orphanet 646, MedGen C3179455, MONDO:0009757, OMIM 257220.

Allele frequency attached by ClinVar (database versions not stated): gnomAD 0.00003 and 0.00004; TOPMed 0.00004.

Submissions (4):

PreventionGenetics, part of Exact Sciences
Classification: Likely benign for NPC1-related condition. Last evaluated: 2026-02-12. Review status: criteria provided, single submitter. Criteria: ACMG Guidelines, 2015. Collection method: clinical testing. Allele origin: germline.
Comment: This variant is classified as likely benign based on ACMG/AMP sequence variant interpretation guidelines (Richards et al. 2015 PMID: 25741868, with internal and published modifications).

Labcorp Genetics (formerly Invitae), Labcorp
Classification: Likely benign for Niemann-Pick disease, type C1. Last evaluated: 2023-05-22. Review status: criteria provided, single submitter. Criteria: Invitae Variant Classification Sherloc (09022015). Collection method: clinical testing. Allele origin: germline.

Eurofins Ntd Llc (ga)
Classification: Uncertain significance. Last evaluated: 2018-08-03. Review status: criteria provided, single submitter. Criteria: EGL ClinVar v180209 classification definitions. Collection method: clinical testing. Allele origin: germline. Observed: 1 variant allele, 1 heterozygote.

Breakthrough Genomics
Classification: Uncertain significance. Review status: criteria provided, single submitter. Criteria: ACMG Guidelines, 2015. Collection method: not provided. Allele origin: germline. Inheritance: Autosomal recessive inheritance. Affected: yes.